The following is an entry in ClinVar:

NM_000188.3(HK1):c.1969G>A (p.Asp657Asn)

Gene: HK1 (hexokinase 1; plus strand). Cytogenetic location: 10q22.1.
Variant type: single nucleotide variant.
Coding change: c.1969G>A on transcript NM_000188.3 (MANE Select); coding-DNA position 1969, G replaced by A.
Protein change: p.Asp657Asn; replaces aspartic acid 657 with asparagine.
Molecular consequence: missense variant.
Genome position (GRCh38, 1-based): chr10:69,389,230, G>A. VCF-style: chr10-69389230-G-A. GRCh37 (hg19) VCF-style: chr10-71148986-G-A.
Other names: c.1981G>A, p.Asp661Asn (NM_001322364.2, NM_001358263.1, NM_033497.3 and 1 more transcripts); c.2074G>A, p.Asp692Asn (NM_001322365.2); c.1885G>A, p.Asp629Asn (NM_001322366.1); c.1873G>A, p.Asp625Asn (NM_001322367.1); c.1966G>A, p.Asp656Asn (NM_033496.3); c.1933G>A, p.Asp645Asn (NM_033500.2); short protein forms D625N, D629N, D645N, D656N, D657N, D661N, D692N.
Identifiers: ClinVar variation 2577236 (VCV002577236.4), dbSNP rs1477062289, ClinGen allele CA376913521.

ClinVar aggregate classification (germline): Conflicting classifications of pathogenicity. Review status: criteria provided, conflicting classifications (1 of 4 stars). 2 submissions from 2 submitters: Pathogenic (1); Uncertain significance (1). Last evaluated 2023-07-14.

Submissions (2):

Women's Health and Genetics/Laboratory Corporation of America, LabCorp
Classification: Uncertain significance. Last evaluated: 2023-07-14. Review status: criteria provided, single submitter. Criteria: LabCorp Variant Classification Summary - May 2015. Collection method: clinical testing. Allele origin: germline.
Comment: Variant summary: HK1 c.1969G>A (p.Asp657Asn) results in a conservative amino acid change located in the N-terminal domain (IPR022672) of the encoded protein sequence. Four of five in-silico tools predict a damaging effect of the variant on protein function. The variant was absent in 251216 control chromosomes (gnomAD). The available data on variant occurrences in the general population are insufficient to allow any conclusion about variant significance. c.1969G>A has been reported in the literature in the heterozygous state as a de novo occurrence in an individual with global developmental delay and hypotonia who had a working diagnosis of autism spectrum disorder with a differential diagnosis of congenital myasthenic syndrome (Turner_2019, Poole_2023). The proband had no MRI brain abnormalities and ptosis by the end of the day and occasional complaints of blurred vision were the only reported visual symptoms (Poole_2023). This report does not provide unequivocal conclusions about association of the variant with HK1-Related Disorders. To our knowledge, no experimental evidence demonstrating an impact on protein function has been reported. The following publications have been ascertained in the context of this evaluation (PMID: 31785789, 36639056). No submitters have cited clinical-significance assessments for this variant to ClinVar after 2014. Based on the evidence outlined above, the variant was classified as uncertain significance.

Labcorp Genetics (formerly Invitae), Labcorp
Classification: Pathogenic. Last evaluated: 2023-03-10. Review status: criteria provided, single submitter. Criteria: Invitae Variant Classification Sherloc (09022015). Collection method: clinical testing. Allele origin: germline.
Comment: For these reasons, this variant has been classified as Pathogenic. Advanced modeling of protein sequence and biophysical properties (such as structural, functional, and spatial information, amino acid conservation, physicochemical variation, residue mobility, and thermodynamic stability) performed at Invitae indicates that this missense variant is expected to disrupt HK1 protein function. This missense change has been observed in individual(s) with a neurodevelopmental disorder (PMID: 31785789, 36639056). In at least one individual the variant was observed to be de novo. This variant is not present in population databases (gnomAD no frequency). This sequence change replaces aspartic acid, which is acidic and polar, with asparagine, which is neutral and polar, at codon 657 of the HK1 protein (p.Asp657Asn).

Literature cited by the submitters: PubMed 31785789 (cited by Women's Health and Genetics/Laboratory Corporation of America, LabCorp and Labcorp Genetics (formerly Invitae), Labcorp); PubMed 36639056 (cited by Women's Health and Genetics/Laboratory Corporation of America, LabCorp and Labcorp Genetics (formerly Invitae), Labcorp).